The following is an entry in ClinVar:

NM_012285.3(KCNH4):c.993G>A (p.Ser331=)

Gene: KCNH4 (potassium voltage-gated channel subfamily H member 4; minus strand). Cytogenetic location: 17q21.2.
Variant type: single nucleotide variant.
Coding change: c.993G>A on transcript NM_012285.3 (MANE Select); coding-DNA position 993, G replaced by A.
Protein change: p.Ser331=; no amino-acid change (serine 331 retained).
Molecular consequence: synonymous variant.
Genome position (GRCh38, 1-based): chr17:42,171,990, C>T on the plus strand (G>A on the coding strand, the complement: KCNH4 is on the minus strand). VCF-style: chr17-42171990-C-T. GRCh37 (hg19) VCF-style: chr17-40324008-C-T.
Identifiers: ClinVar variation 4681587 (VCV004681587.5).
Genomic context (GRCh38, chr17:42,171,990, plus strand): 5'-CAGCTTCTGCAGCAGCCGCAGCAGCCGCAACAGCCGCACTGTCTTCAGTAGGTGCACCAG[C>T]GAGGTCTGCAGGAAGGTGGCGGGGGAGGCTGTCAGCAGGCACACCTCCTCCGAGCCCTCA-3'
Protein context (NP_036417.1, residues 321-341): LLYIFNITVT[Ser331=]LVHLLKTVRL

ClinVar aggregate classification (germline): Likely benign (1 of 4 stars; one submission).

gnomAD v4.1: 54 of 1,595,278 alleles (0.0034%); highest among the groups gnomAD compares: East Asian, 0.011%; no homozygotes.

Submission:

CeGaT Center for Human Genetics Tuebingen
Classification: Likely benign. Last evaluated: 2025-12-01. Review status: criteria provided, single submitter. Criteria: CeGaT Center For Human Genetics Tuebingen Variant Classification Criteria Version 2. Collection method: clinical testing. Allele origin: germline. Affected: yes. Observed: 1 variant allele.
Comment: KCNH4: BP4, BP7